The following is an entry in ClinVar:

NM_025074.7(FRAS1):c.8828G>A (p.Arg2943Gln)

Gene: FRAS1 (Fraser extracellular matrix complex subunit 1; plus strand). Cytogenetic location: 4q21.21.
Variant type: single nucleotide variant.
Coding change: c.8828G>A on transcript NM_025074.7 (MANE Select); coding-DNA position 8828, G replaced by A.
Protein change: p.Arg2943Gln; replaces arginine 2943 with glutamine.
Molecular consequence: missense variant.
Genome position (GRCh38, 1-based): chr4:78,488,950, G>A. VCF-style: chr4-78488950-G-A. GRCh37 (hg19) VCF-style: chr4-79410104-G-A.
Other names: short protein forms R2943Q.
Identifiers: ClinVar variation 2628475 (VCV002628475.1), dbSNP rs749379432, ClinGen allele CA2978501.

ClinVar aggregate classification (germline): Uncertain significance (1 of 4 stars; one submission).

Conditions:
FRAS1-related disorder. Also called: FRAS1-related condition.

Allele frequency attached by ClinVar (database versions not stated): gnomAD exomes below 0.00001; TOPMed below 0.00001; ExAC 0.00001.
gnomAD v4.1: 1 of 1,613,560 alleles (0.000062%); highest among the groups gnomAD compares: Non-Finnish European, 0.000085%; no homozygotes.

Submission:

PreventionGenetics, part of Exact Sciences
Classification: Uncertain significance for FRAS1-related condition. Last evaluated: 2023-06-27. Review status: criteria provided, single submitter. Criteria: ACMG Guidelines, 2015. Collection method: clinical testing. Allele origin: germline.
Comment: The FRAS1 c.8828G>A variant is predicted to result in the amino acid substitution p.Arg2943Gln. This variant is also predicted to possibly create a splice acceptor site within the exon (Alamut Visual Plus v1.6.1). To our knowledge, this variant has not been reported in the literature. This variant is reported in 0.0033% of alleles in individuals of South Asian descent in gnomAD. At this time, the clinical significance of this variant is uncertain due to the absence of conclusive functional and genetic evidence.